The following is an entry in ClinVar:

ClinVar aggregate classification (germline): Uncertain significance (1 of 4 stars; one submission).

Allele frequency attached by ClinVar (database versions not stated): gnomAD exomes below 0.00001.
gnomAD v4.1: 2 of 1,613,740 alleles (0.00012%); highest among the groups gnomAD compares: Middle Eastern, 0.016%; no homozygotes.

Submission:

Labcorp Genetics (formerly Invitae), Labcorp
Classification: Uncertain significance. Last evaluated: 2026-01-12. Review status: criteria provided, single submitter. Criteria: Invitae Variant Classification Sherloc (09022015). Collection method: clinical testing. Allele origin: germline.
Comment: This sequence change replaces cysteine, which is neutral and slightly polar, with tyrosine, which is neutral and polar, at codon 414 of the RAI1 protein (p.Cys414Tyr). This variant is present in population databases (no rsID available, gnomAD 0.006%). This variant has not been reported in the literature in individuals affected with RAI1-related conditions. ClinVar contains an entry for this variant (Variation ID: 1499097). Invitae Evidence Modeling of protein sequence and biophysical properties (such as structural, functional, and spatial information, amino acid conservation, physicochemical variation, residue mobility, and thermodynamic stability) indicates that this missense variant is not expected to disrupt RAI1 protein function with a negative predictive value of 80%. In summary, the available evidence is currently insufficient to determine the role of this variant in disease. Therefore, it has been classified as a Variant of Uncertain Significance.

NM_030665.4(RAI1):c.1241G>A (p.Cys414Tyr)

Gene: RAI1 (retinoic acid induced 1; plus strand). Cytogenetic location: 17p11.2.
Variant type: single nucleotide variant.
Coding change: c.1241G>A on transcript NM_030665.4 (MANE Select); coding-DNA position 1241, G replaced by A.
Protein change: p.Cys414Tyr; replaces cysteine 414 with tyrosine.
Molecular consequence: missense variant.
Genome position (GRCh38, 1-based): chr17:17,794,189, G>A. VCF-style: chr17-17794189-G-A. GRCh37 (hg19) VCF-style: chr17-17697503-G-A.
Other names: short protein forms C414Y.
Identifiers: ClinVar variation 1499097 (VCV001499097.6), dbSNP rs1252947504, ClinGen allele CA398547189.